The following is an entry in ClinVar:

ClinVar aggregate classification (germline): Likely benign (0 of 4 stars; one submission).

Conditions:
TTC28-related disorder. Also called: TTC28-related condition.

Allele frequency attached by ClinVar (database versions not stated): TOPMed 0.00002; gnomAD 0.00003.
gnomAD v4.1: 15 of 1,551,076 alleles (0.00097%); highest among the groups gnomAD compares: East Asian, 0.0098%; no homozygotes.

Submission:

PreventionGenetics, part of Exact Sciences
Classification: Likely benign for TTC28-related condition. Last evaluated: 2023-07-22. Review status: no assertion criteria provided. Collection method: clinical testing. Allele origin: germline.
Comment: This variant is classified as likely benign based on ACMG/AMP sequence variant interpretation guidelines (Richards et al. 2015 PMID: 25741868, with internal and published modifications).

NM_001145418.2(TTC28):c.4242C>T (p.Pro1414=)

Genes: TTC28 (tetratricopeptide repeat domain 28; minus strand), TTC28-AS1 (TTC28 antisense RNA 1; plus strand). Cytogenetic location: 22q12.1.
Variant type: single nucleotide variant.
Coding change: c.4242C>T on transcript NM_001145418.2 (MANE Select); coding-DNA position 4242, C replaced by T.
Protein change: p.Pro1414=; no amino-acid change (proline 1414 retained).
Molecular consequence: synonymous variant. On other transcripts: non-coding transcript variant (1).
Genome position (GRCh38, 1-based): chr22:28,001,530, G>A on the plus strand (C>T on the coding strand, the complement: TTC28 is on the minus strand). VCF-style: chr22-28001530-G-A. GRCh37 (hg19) VCF-style: chr22-28397518-G-A.
Other names: c.4242C>T, p.Pro1414= (NM_001393403.1); c.3888C>T, p.Pro1296= (NM_001393404.1, NM_001393405.1).
Identifiers: ClinVar variation 3030448 (VCV003030448.2), dbSNP rs1216824328, ClinGen allele CA514150891.